The following is an entry in ClinVar:

ClinVar aggregate classification (germline): Uncertain significance (1 of 4 stars; one submission).

Conditions:
Glycogen storage disease IXa1. Also called: LIVER GLYCOGENOSIS, X-LINKED, TYPE I; GLYCOGEN STORAGE DISEASE VIII; GSD VIII; Glycogen storage disease 8. Identifiers: Orphanet 264580, MedGen C3694531, MONDO:0010598, OMIM 306000.

Submission:

Juno Genomics, Hangzhou Juno Genomics, Inc
Classification: Uncertain significance for Glycogen storage disease IXa1. Review status: criteria provided, single submitter. Criteria: ACMG Guidelines, 2015. Collection method: clinical testing. Allele origin: germline.
Comment: Null variant in a gene where loss of function (LOF) is a known mechanism of disease.;Absent from controls (or at extremely low frequency if recessive) in Genome Aggregation Database.

NM_000292.3(PHKA2):c.238-1G>T

Gene: PHKA2 (phosphorylase kinase regulatory subunit alpha 2; minus strand). Cytogenetic location: Xp22.13.
Variant type: single nucleotide variant.
Coding change: c.238-1G>T on transcript NM_000292.3 (MANE Select); the canonical splice acceptor site of the intron before coding-DNA position 238, G replaced by T.
Molecular consequence: splice acceptor variant.
Genome position (GRCh38, 1-based): chrX:18,952,542, C>A on the plus strand (G>T on the coding strand, the complement: PHKA2 is on the minus strand). VCF-style: chrX-18952542-C-A. GRCh37 (hg19) VCF-style: chrX-18970660-C-A.
Other names: c.238-1G>T (NM_001440804.1, NM_001440803.1, NM_001440802.1 and 3 more transcripts).
Identifiers: ClinVar variation 5007542 (VCV005007542.2).